The following is an entry in ClinVar:

ClinVar aggregate classification (germline): Benign (1 of 4 stars; one submission).

Allele frequency attached by ClinVar (database versions not stated): 1000 Genomes Project 30x 0.00047; 1000 Genomes Project 0.00060; gnomAD 0.00072; TOPMed 0.00074; ExAC 0.00082; ESP Exome Variant Server 0.00107; gnomAD exomes 0.00116.
gnomAD v4.1: 1,808 of 1,613,996 alleles (0.11%); highest among the groups gnomAD compares: Middle Eastern, 0.18%; no homozygotes.

Submission:

CeGaT Center for Human Genetics Tuebingen
Classification: Benign. Last evaluated: 2022-06-01. Review status: criteria provided, single submitter. Criteria: CeGaT Center For Human Genetics Tuebingen Variant Classification Criteria Version 2. Collection method: clinical testing. Allele origin: germline. Affected: yes. Observed: 1 variant allele.
Comment: MYH15: BS1, BS2

NM_014981.3(MYH15):c.552G>A (p.Val184=)

Gene: MYH15 (myosin heavy chain 15; minus strand). Cytogenetic location: 3q13.13.
Variant type: single nucleotide variant.
Coding change: c.552G>A on transcript NM_014981.3 (MANE Select); coding-DNA position 552, G replaced by A.
Protein change: p.Val184=; no amino-acid change (valine 184 retained).
Molecular consequence: synonymous variant.
Genome position (GRCh38, 1-based): chr3:108,498,118, C>T on the plus strand (G>A on the coding strand, the complement: MYH15 is on the minus strand). VCF-style: chr3-108498118-C-T. GRCh37 (hg19) VCF-style: chr3-108216965-C-T.
Identifiers: ClinVar variation 2654023 (VCV002654023.24), dbSNP rs201833884, ClinGen allele CA2528868.